The following is an entry in ClinVar:

ClinVar aggregate classification (germline): Uncertain significance (1 of 4 stars; one submission).

Conditions:
Long QT syndrome (LQTS). Identifiers: MedGen C0023976, MeSH D008133, MONDO:0002442. Disease mechanism: loss of function. Inheritance: Various modes of inheritance.

Allele frequency attached by ClinVar (database versions not stated): gnomAD 0.00001; TOPMed 0.00001.
gnomAD v4.1: 8 of 1,614,038 alleles (0.0005%); highest among the groups gnomAD compares: Middle Eastern, 0.016%; no homozygotes.

Submission:

Labcorp Genetics (formerly Invitae), Labcorp
Classification: Uncertain significance for Long QT syndrome. Last evaluated: 2025-02-19. Review status: criteria provided, single submitter. Criteria: Invitae Variant Classification Sherloc (09022015). Collection method: clinical testing. Allele origin: germline.
Comment: This sequence change replaces arginine, which is basic and polar, with histidine, which is basic and polar, at codon 410 of the ANK2 protein (p.Arg410His). This variant is not present in population databases (gnomAD no frequency). This variant has not been reported in the literature in individuals affected with ANK2-related conditions. ClinVar contains an entry for this variant (Variation ID: 2084076). An algorithm developed to predict the effect of missense changes on protein structure and function (PolyPhen-2) suggests that this variant is likely to be disruptive. In summary, the available evidence is currently insufficient to determine the role of this variant in disease. Therefore, it has been classified as a Variant of Uncertain Significance.

NM_001148.6(ANK2):c.1229G>A (p.Arg410His)

Gene: ANK2 (ankyrin 2; plus strand). Cytogenetic location: 4q26.
Variant type: single nucleotide variant.
Coding change: c.1229G>A on transcript NM_001148.6 (MANE Select); coding-DNA position 1229, G replaced by A.
Protein change: p.Arg410His; replaces arginine 410 with histidine.
Molecular consequence: missense variant. On other transcripts: intron variant (5).
Genome position (GRCh38, 1-based): chr4:113,258,090, G>A. VCF-style: chr4-113258090-G-A. GRCh37 (hg19) VCF-style: chr4-114179246-G-A.
Other names: c.1166G>A, p.Arg389His (NM_001127493.3, NM_001354239.2, NM_001354243.2 and 14 more transcripts); c.1229G>A, p.Arg410His (NM_001354225.2, NM_001354228.2, NM_001354232.2 and 8 more transcripts); c.1274G>A, p.Arg425His (NM_001354230.2, NM_001354231.2, NM_001354237.2 and 5 more transcripts); c.1142G>A, p.Arg381His (NM_001354249.2, NM_001354260.2, NM_001354264.2 and 13 more transcripts); c.1187G>A, p.Arg396His (NM_001354261.2, NM_001386147.1, NM_001386160.1); c.1217G>A, p.Arg406His (NM_001386148.2, NM_001386186.2); c.1280G>A, p.Arg427His (NM_001386174.1); c.1256G>A, p.Arg419His (NM_001386175.1); and 4 more; short protein forms R398H, R406H, R419H, R425H, R396H, R427H, R381H, R389H.
Identifiers: ClinVar variation 2084076 (VCV002084076.4), dbSNP rs786205720, ClinGen allele CA103807278.